The following is an entry in ClinVar:

NM_024334.3(TMEM43):c.396G>T (p.Glu132Asp)

Gene: TMEM43 (transmembrane protein 43; plus strand). Cytogenetic location: 3p25.1.
Variant type: single nucleotide variant.
Coding change: c.396G>T on transcript NM_024334.3 (MANE Select); coding-DNA position 396, G replaced by T.
Protein change: p.Glu132Asp; replaces glutamic acid 132 with aspartic acid.
Molecular consequence: missense variant.
Genome position (GRCh38, 1-based): chr3:14,132,549, G>T. VCF-style: chr3-14132549-G-T. GRCh37 (hg19) VCF-style: chr3-14174049-G-T.
Other names: short protein forms E132D.
Identifiers: ClinVar variation 1004481 (VCV001004481.8), dbSNP rs1553603024, ClinGen allele CA351534981.

ClinVar aggregate classification (germline): Uncertain significance (1 of 4 stars; one submission).

Conditions:
Arrhythmogenic right ventricular dysplasia 5. Also called: Arrhythmogenic Right Ventricular Dysplasia/Cardiomyopathy 5; ARRHYTHMOGENIC RIGHT VENTRICULAR DYSPLASIA, FAMILIAL, 5. Identifiers: MedGen C1858379, MONDO:0011459, OMIM 604400.

Submission:

Labcorp Genetics (formerly Invitae), Labcorp
Classification: Uncertain significance for Arrhythmogenic right ventricular dysplasia 5. Last evaluated: 2020-10-10. Review status: criteria provided, single submitter. Criteria: Invitae Variant Classification Sherloc (09022015). Collection method: clinical testing. Allele origin: germline.
Comment: This sequence change replaces glutamic acid with aspartic acid at codon 132 of the TMEM43 protein (p.Glu132Asp). The glutamic acid residue is moderately conserved and there is a small physicochemical difference between glutamic acid and aspartic acid. This variant is not present in population databases (ExAC no frequency). This variant has not been reported in the literature in individuals with TMEM43-related conditions. Algorithms developed to predict the effect of missense changes on protein structure and function output the following: SIFT: "Tolerated"; PolyPhen-2: "Benign"; Align-GVGD: "Class C0". The aspartic acid amino acid residue is found in multiple mammalian species, suggesting that this missense change does not adversely affect protein function. These predictions have not been confirmed by published functional studies and their clinical significance is uncertain. In summary, the available evidence is currently insufficient to determine the role of this variant in disease. Therefore, it has been classified as a Variant of Uncertain Significance.